The following is an entry in ClinVar:

NM_024675.4(PALB2):c.2760dup (p.Gln921fs)

Gene: PALB2 (partner and localizer of BRCA2; minus strand). Cytogenetic location: 16p12.2.
Variant type: Duplication.
Coding change: c.2760dup on transcript NM_024675.4 (MANE Select); coding-DNA position 2760, one base duplicated (A; older notation c.2760dupA).
Protein change: p.Gln921fs; shifts the reading frame from glutamine 921.
Molecular consequence: frameshift variant.
Genome position (GRCh38, 1-based): chr16:23,624,083, T duplicated on the plus strand (A on the coding strand, the reverse complement: PALB2 is on the minus strand). VCF-style (leftmost placement, unchanged base first): chr16-23624082-G-GT. GRCh37 (hg19) VCF-style: chr16-23635403-G-GT.
Other names: c.2760dupA (NM_024675.3); short protein forms Q921fs.
Identifiers: ClinVar variation 233037 (VCV000233037.11), dbSNP rs876660147, ClinGen allele CA10579952.

ClinVar aggregate classification (germline): Pathogenic. Review status: criteria provided, multiple submitters, no conflicts (2 of 4 stars). 4 submissions from 4 submitters: Pathogenic (4). Last evaluated 2024-08-26.

Conditions:
Hereditary cancer-predisposing syndrome. Also called: Neoplastic Syndromes, Hereditary; Tumor predisposition; Hereditary Cancer Syndrome; Hereditary neoplastic syndrome. Identifiers: Orphanet 140162, MedGen C0027672, MeSH D009386, MONDO:0015356.
Familial cancer of breast. Also called: BREAST CANCER, FAMILIAL; hereditary breast carcinoma; Hereditary breast cancer. Identifiers: Orphanet 227535, MedGen C0346153, MONDO:0016419, OMIM 114480. Disease mechanism: loss of function.

Submissions (4):

Ambry Genetics
Classification: Pathogenic for Hereditary cancer-predisposing syndrome. Last evaluated: 2024-08-26. Review status: criteria provided, single submitter. Criteria: Ambry Variant Classification Scheme 2023. Collection method: clinical testing. Allele origin: germline.
Comment: The c.2760dupA pathogenic mutation, located in coding exon 8 of the PALB2 gene, results from a duplication of A at nucleotide position 2760, causing a translational frameshift with a predicted alternate stop codon (p.L920Lfs*8). This variant is considered to be rare based on population cohorts in the Genome Aggregation Database (gnomAD). This alteration is expected to result in loss of function by premature protein truncation or nonsense-mediated mRNA decay. As such, this alteration is interpreted as a disease-causing mutation.

Labcorp Genetics (formerly Invitae), Labcorp
Classification: Pathogenic for Familial cancer of breast. Last evaluated: 2024-07-21. Review status: criteria provided, single submitter. Criteria: Invitae Variant Classification Sherloc (09022015). Collection method: clinical testing. Allele origin: germline.
Comment: This sequence change creates a premature translational stop signal (p.Gln921Thrfs*7) in the PALB2 gene. It is expected to result in an absent or disrupted protein product. Loss-of-function variants in PALB2 are known to be pathogenic (PMID: 17200668, 17200671, 17200672, 24136930, 25099575). This variant is not present in population databases (gnomAD no frequency). This premature translational stop signal has been observed in individual(s) with breast cancer (PMID: 28724667, 32068069). ClinVar contains an entry for this variant (Variation ID: 233037). Algorithms developed to predict the effect of sequence changes on RNA splicing suggest that this variant may disrupt the consensus splice site. For these reasons, this variant has been classified as Pathogenic.

Baylor Genetics
Classification: Pathogenic for Familial cancer of breast. Last evaluated: 2023-10-16. Review status: criteria provided, single submitter. Criteria: ACMG Guidelines, 2015. Collection method: clinical testing. Allele origin: unknown.

Myriad Genetics, Inc.
Classification: Pathogenic for Familial cancer of breast. Last evaluated: 2023-09-13. Review status: criteria provided, single submitter. Criteria: Myriad Autosomal Dominant, Autosomal Recessive and X-Linked Classification Criteria (2023). Collection method: clinical testing. Allele origin: unknown.
Comment: This variant is considered pathogenic. This variant creates a frameshift predicted to result in premature protein truncation.

Literature cited by the submitters: PubMed 17200668 (cited by Labcorp Genetics (formerly Invitae), Labcorp); PubMed 17200671 (cited by Labcorp Genetics (formerly Invitae), Labcorp); PubMed 17200672 (cited by Labcorp Genetics (formerly Invitae), Labcorp); PubMed 24136930 (cited by Labcorp Genetics (formerly Invitae), Labcorp); PubMed 25099575 (cited by Labcorp Genetics (formerly Invitae), Labcorp); PubMed 28724667 (cited by Labcorp Genetics (formerly Invitae), Labcorp); PubMed 32068069 (cited by Labcorp Genetics (formerly Invitae), Labcorp).